The following is an entry in ClinVar:

NM_000088.4(COL1A1):c.3508C>T (p.Arg1170Cys)

Gene: COL1A1 (collagen type I alpha 1 chain; minus strand). Cytogenetic location: 17q21.33.
Variant type: single nucleotide variant.
Coding change: c.3508C>T on transcript NM_000088.4 (MANE Select); coding-DNA position 3508, C replaced by T.
Protein change: p.Arg1170Cys; replaces arginine 1170 with cysteine.
Molecular consequence: missense variant.
Genome position (GRCh38, 1-based): chr17:50,187,038, G>A on the plus strand (C>T on the coding strand, the complement: COL1A1 is on the minus strand). VCF-style: chr17-50187038-G-A. GRCh37 (hg19) VCF-style: chr17-48264399-G-A.
Other names: short protein forms R1170C.
Identifiers: ClinVar variation 858087 (VCV000858087.13), dbSNP rs1373318649, ClinGen allele CA400198593.
Genomic context (GRCh38, chr17:50,187,038, plus strand): 5'-GGAGGGCCATGAGCAGAGGGGATGAGGGGCTACATACAACAGGACCAGCATCACCAGTGC[G>A]ACCGCGAGGACCAGGGGGCCCAATGGGGCCAGGGAGACCGTTGAGTCCATCTTTGCCAGG-3'
Protein context (NP_000079.2, residues 1160-1180): GPIGPPGPRG[Arg1170Cys]TGDAGPVGPP

ClinVar aggregate classification (germline): Uncertain significance. Review status: criteria provided, multiple submitters, no conflicts (2 of 4 stars). 2 submissions from 2 submitters: Uncertain significance (2). Last evaluated 2022-03-01.

Conditions:
Osteogenesis imperfecta type I (OI1). Also called: OI, TYPE I; OSTEOGENESIS IMPERFECTA TARDA; OSTEOGENESIS IMPERFECTA WITH BLUE SCLERAE; Osteogenesis imperfecta type 1; Lobstein disease; Lobstein's Disease. Identifiers: Orphanet 216796, Orphanet 666, MedGen C0023931, MONDO:0008146, OMIM 166200. Disease mechanism: loss of function.
Cardiovascular phenotype. Identifiers: MedGen CN230736.

gnomAD v4.1: 1 of 1,613,702 alleles (0.000062%); highest among the groups gnomAD compares: Non-Finnish European, 0.000085%; no homozygotes.

Submissions (2):

Labcorp Genetics (formerly Invitae), Labcorp
Classification: Uncertain significance for Osteogenesis imperfecta type I. Last evaluated: 2022-03-01. Review status: criteria provided, single submitter. Criteria: Invitae Variant Classification Sherloc (09022015). Collection method: clinical testing. Allele origin: germline.
Comment: In summary, the available evidence is currently insufficient to determine the role of this variant in disease. Therefore, it has been classified as a Variant of Uncertain Significance. Advanced modeling of protein sequence and biophysical properties (such as structural, functional, and spatial information, amino acid conservation, physicochemical variation, residue mobility, and thermodynamic stability) performed at Invitae indicates that this missense variant is expected to disrupt COL1A1 protein function. ClinVar contains an entry for this variant (Variation ID: 858087). This variant has not been reported in the literature in individuals affected with COL1A1-related conditions. The frequency data for this variant in the population databases is considered unreliable, as metrics indicate poor data quality at this position in the gnomAD database. This sequence change replaces arginine, which is basic and polar, with cysteine, which is neutral and slightly polar, at codon 1170 of the COL1A1 protein (p.Arg1170Cys).

Ambry Genetics
Classification: Uncertain significance for Cardiovascular phenotype. Last evaluated: 2021-07-26. Review status: criteria provided, single submitter. Criteria: Ambry Variant Classification Scheme 2023. Collection method: clinical testing. Allele origin: germline.
Comment: The p.R1170C variant (also known as c.3508C>T), located in coding exon 47 of the COL1A1 gene, results from a C to T substitution at nucleotide position 3508. The arginine at codon 1170 is replaced by cysteine, an amino acid with highly dissimilar properties. This amino acid position is well conserved in available vertebrate species. In addition, this alteration is predicted to be deleterious by in silico analysis. Since supporting evidence is limited at this time, the clinical significance of this alteration remains unclear.